The following is an entry in ClinVar:

NM_000059.4(BRCA2):c.4256A>C (p.Lys1419Thr)

Gene: BRCA2 (BRCA2 DNA repair associated; plus strand). Cytogenetic location: 13q13.1.
Variant type: single nucleotide variant.
Coding change: c.4256A>C on transcript NM_000059.4 (MANE Select); coding-DNA position 4256, A replaced by C.
Protein change: p.Lys1419Thr; replaces lysine 1419 with threonine.
Molecular consequence: missense variant.
Genome position (GRCh38, 1-based): chr13:32,338,611, A>C. VCF-style: chr13-32338611-A-C. GRCh37 (hg19) VCF-style: chr13-32912748-A-C.
Other names: c.4256A>C, p.Lys1419Thr (NM_001406719.1, NM_001406720.1); short protein forms K1419T.
Identifiers: ClinVar variation 2137476 (VCV002137476.7), dbSNP rs1593901833, ClinGen allele CA387780460.

ClinVar aggregate classification (germline): Conflicting classifications of pathogenicity. Review status: criteria provided, conflicting classifications (1 of 4 stars). 3 submissions from 3 submitters: Uncertain significance (2); Likely benign (1). Last evaluated 2024-07-26.

Conditions:
Hereditary cancer-predisposing syndrome. Also called: Neoplastic Syndromes, Hereditary; Hereditary Cancer Syndrome; Tumor predisposition; Hereditary neoplastic syndrome. Identifiers: Orphanet 140162, MedGen C0027672, MeSH D009386, MONDO:0015356.
Hereditary breast ovarian cancer syndrome. Also called: Hereditary breast and ovarian cancer; Hereditary breast and/or ovarian cancer syndrome; Breast and ovarian cancer; Hereditary breast and ovarian cancer syndrome; Hereditary breast and ovarian cancer syndrome (HBOC); BRCA1- and BRCA2-Associated Hereditary Breast and Ovarian Cancer. Identifiers: Orphanet 145, MedGen C0677776, MeSH D061325, MONDO:0003582. Disease mechanism: loss of function.

Submissions (3):

Ambry Genetics
Classification: Uncertain significance for Hereditary cancer-predisposing syndrome. Last evaluated: 2024-07-26. Review status: criteria provided, single submitter. Criteria: Ambry Variant Classification Scheme 2023. Collection method: clinical testing. Allele origin: germline.
Comment: The p.K1419T variant (also known as c.4256A>C), located in coding exon 10 of the BRCA2 gene, results from an A to C substitution at nucleotide position 4256. The lysine at codon 1419 is replaced by threonine, an amino acid with similar properties. This alteration was identified in a cohort of Spanish hereditary breast and ovarian cancer families (Gabald&oacute; Barrios X et al. Fam Cancer, 2017 Oct;16:477-489). This amino acid position is well conserved in available vertebrate species. In addition, this alteration is predicted to be tolerated by in silico analysis. Based on the available evidence, the clinical significance of this variant remains unclear.

University of Washington Department of Laboratory Medicine, University of Washington
Classification: Likely benign for Hereditary cancer-predisposing syndrome. Last evaluated: 2023-03-23. Review status: criteria provided, single submitter. Criteria: Dines et al. (Genet Med. 2020). Collection method: curation. Allele origin: germline.
Comment: Missense variant in a coldspot region where missense variants are very unlikely to be pathogenic (PMID:31911673).

BRCA2 exon 11 coldspot. Reclassification based on statistical prior probability.

Labcorp Genetics (formerly Invitae), Labcorp
Classification: Uncertain significance for Hereditary breast ovarian cancer syndrome. Last evaluated: 2022-01-15. Review status: criteria provided, single submitter. Criteria: Invitae Variant Classification Sherloc (09022015). Collection method: clinical testing. Allele origin: germline.
Comment: This sequence change replaces lysine, which is basic and polar, with threonine, which is neutral and polar, at codon 1419 of the BRCA2 protein (p.Lys1419Thr). This variant is not present in population databases (gnomAD no frequency). This missense change has been observed in individual(s) with clinical features of hereditary breast and ovarian cancer syndrome (PMID: 28477318). Advanced modeling of protein sequence and biophysical properties (such as structural, functional, and spatial information, amino acid conservation, physicochemical variation, residue mobility, and thermodynamic stability) performed at Invitae indicates that this missense variant is not expected to disrupt BRCA2 protein function. In summary, the available evidence is currently insufficient to determine the role of this variant in disease. Therefore, it has been classified as a Variant of Uncertain Significance.

Literature cited by the submitters: PubMed 28477318 (cited by Ambry Genetics and Labcorp Genetics (formerly Invitae), Labcorp).